The following is an entry in ClinVar:

ClinVar aggregate classification (germline): Likely pathogenic (1 of 4 stars; one submission).

Conditions:
Intellectual developmental disorder, autosomal dominant 55, with seizures. Also called: MENTAL RETARDATION, AUTOSOMAL DOMINANT 55, WITH SEIZURES; Intellectual disability, autosomal dominant 55, with seizures. Identifiers: MedGen C4693371, MONDO:0030921, OMIM 617831.

Submission:

Institute of Human Genetics, University of Leipzig Medical Center
Classification: Likely pathogenic for Intellectual developmental disorder, autosomal dominant 55, with seizures. Last evaluated: 2023-06-14. Review status: criteria provided, single submitter. Criteria: ACMG Guidelines, 2015. Collection method: clinical testing. Allele origin: maternal. Inheritance: Autosomal dominant inheritance. Affected: yes.
Comment: Criteria applied: PVS1,PM2_SUP

NM_138459.5(NUS1):c.677dup (p.Leu226fs)

Gene: NUS1 (NUS1 dehydrodolichyl diphosphate synthase subunit; plus strand). Cytogenetic location: 6q22.1.
Variant type: Duplication.
Coding change: c.677dup on transcript NM_138459.5 (MANE Select); coding-DNA position 677, one base duplicated (T; older notation c.677dupT).
Protein change: p.Leu226fs; shifts the reading frame from leucine 226.
Molecular consequence: frameshift variant.
Genome position (GRCh38, 1-based): chr6:117,694,166, T duplicated; the last of 2 consecutive T bases (chr6:117,694,165-117,694,166); duplicating either gives the same sequence. VCF-style (leftmost placement, unchanged base first): chr6-117694164-G-GT. GRCh37 (hg19) VCF-style: chr6-118015327-G-GT.
Other names: short protein forms L226fs.
Identifiers: ClinVar variation 2576546 (VCV002576546.3), dbSNP rs2482016210, ClinGen allele CA2580617332.
Genomic context (GRCh38, chr6:117,694,164, plus strand): 5'-GGACTTTTGCCAGTTAGTAGCCCAGAAGCAAAAGAGACCCACAGATTTGGATGTAGATAC[G>GT]TTAGCCAGTTTACTTAGTAAGTTTTTTTATATATATATACATATATATGTATATGTATGT-3'